The following is an entry in ClinVar:

NM_003024.3(ITSN1):c.480C>T (p.Asn160=)

Gene: ITSN1 (intersectin 1; plus strand). Cytogenetic location: 21q22.11.
Variant type: single nucleotide variant.
Coding change: c.480C>T on transcript NM_003024.3 (MANE Select); coding-DNA position 480, C replaced by T.
Protein change: p.Asn160=; no amino-acid change (asparagine 160 retained).
Molecular consequence: synonymous variant.
Genome position (GRCh38, 1-based): chr21:33,750,276, C>T. VCF-style: chr21-33750276-C-T. GRCh37 (hg19) VCF-style: chr21-35122581-C-T.
Other names: c.480C>T, p.Asn160= (NM_001001132.2, NM_001331008.2, NM_001331009.2 and 2 more transcripts); c.369C>T, p.Asn123= (NM_001331012.2).
Identifiers: ClinVar variation 4822172 (VCV004822172.4).
Genomic context (GRCh38, chr21:33,750,276, plus strand): 5'-TGGAATGTCTCCAACCCTAGTATCTTCTGTTCCCACAGCAGCTGTGCCCCCCCTGGCTAA[C>T]GGGGCTCCCCCTGTTATACAACCTCTGCCTGCATTTGCTCATCCTGGTATGTGACTTGCT-3'
Protein context (NP_003015.2, residues 150-170): VPTAAVPPLA[Asn160=]GAPPVIQPLP

ClinVar aggregate classification (germline): Likely benign (1 of 4 stars; one submission).

gnomAD v4.1: 39 of 1,613,896 alleles (0.0024%); highest among the groups gnomAD compares: Admixed American, 0.018%; no homozygotes.

Submission:

CeGaT Center for Human Genetics Tuebingen
Classification: Likely benign. Last evaluated: 2026-03-01. Review status: criteria provided, single submitter. Criteria: CeGaT Center For Human Genetics Tuebingen Variant Classification Criteria Version 2. Collection method: clinical testing. Allele origin: germline. Affected: yes. Observed: 1 variant allele.
Comment: ITSN1: BP4, BP7